The following is an entry in ClinVar:

ClinVar aggregate classification (germline): Uncertain significance (1 of 4 stars; one submission).

Allele frequency attached by ClinVar (database versions not stated): gnomAD 0.00001; TOPMed 0.00001.

Submission:

Labcorp Genetics (formerly Invitae), Labcorp
Classification: Uncertain significance. Last evaluated: 2023-10-18. Review status: criteria provided, single submitter. Criteria: Invitae Variant Classification Sherloc (09022015). Collection method: clinical testing. Allele origin: germline.
Comment: This sequence change replaces glycine, which is neutral and non-polar, with serine, which is neutral and polar, at codon 46 of the LRRK1 protein (p.Gly46Ser). This variant is not present in population databases (gnomAD no frequency). This variant has not been reported in the literature in individuals affected with LRRK1-related conditions. Algorithms developed to predict the effect of missense changes on protein structure and function output the following: SIFT: "Not Available"; PolyPhen-2: "Benign"; Align-GVGD: "Not Available". The serine amino acid residue is found in multiple mammalian species, which suggests that this missense change does not adversely affect protein function. In summary, the available evidence is currently insufficient to determine the role of this variant in disease. Therefore, it has been classified as a Variant of Uncertain Significance.

NM_024652.6(LRRK1):c.136G>A (p.Gly46Ser)

Gene: LRRK1 (leucine rich repeat kinase 1; plus strand). Cytogenetic location: 15q26.3.
Variant type: single nucleotide variant.
Coding change: c.136G>A on transcript NM_024652.6 (MANE Select); coding-DNA position 136, G replaced by A.
Protein change: p.Gly46Ser; replaces glycine 46 with serine.
Molecular consequence: missense variant.
Genome position (GRCh38, 1-based): chr15:100,973,842, G>A. VCF-style: chr15-100973842-G-A. GRCh37 (hg19) VCF-style: chr15-101514047-G-A.
Other names: short protein forms G46S.
Identifiers: ClinVar variation 2974617 (VCV002974617.1), dbSNP rs2031117780, ClinGen allele CA393949952.